The following is an entry in ClinVar:

NM_005263.5(GFI1):c.614C>G (p.Ser205Cys)

Gene: GFI1 (growth factor independent 1 transcriptional repressor; minus strand). Cytogenetic location: 1p22.1.
Variant type: single nucleotide variant.
Coding change: c.614C>G on transcript NM_005263.5 (MANE Select); coding-DNA position 614, C replaced by G.
Protein change: p.Ser205Cys; replaces serine 205 with cysteine.
Molecular consequence: missense variant.
Genome position (GRCh38, 1-based): chr1:92,480,773, G>C on the plus strand (C>G on the coding strand, the complement: GFI1 is on the minus strand). VCF-style: chr1-92480773-G-C. GRCh37 (hg19) VCF-style: chr1-92946330-G-C.
Other names: c.614C>G, p.Ser205Cys (NM_001127215.3, NM_001127216.3); short protein forms S205C.
Identifiers: ClinVar variation 4858051 (VCV004858051.1).

ClinVar aggregate classification (germline): Uncertain significance (1 of 4 stars; one submission).

Submission:

Ambry Genetics
Classification: Uncertain significance. Last evaluated: 2026-04-30. Review status: criteria provided, single submitter. Criteria: Ambry Variant Classification Scheme 2023. Collection method: clinical testing. Allele origin: germline.
Comment: The p.S205C variant (also known as c.614C>G), located in coding exon 3 of the GFI1 gene, results from a C to G substitution at nucleotide position 614. The serine at codon 205 is replaced by cysteine, an amino acid with dissimilar properties. This amino acid position is conserved. In addition, this alteration is predicted to be tolerated by in silico analysis. Based on the available evidence, the clinical significance of this variant remains unclear.